The following is an entry in ClinVar:

ClinVar aggregate classification (germline): Benign. Review status: criteria provided, multiple submitters, no conflicts (2 of 4 stars). 2 submissions from 2 submitters: Benign (2). Last evaluated 2018-01-13.

Conditions:
Glycogen storage disease IXb (GSD9B). Also called: GLYCOGENOSIS OF LIVER AND MUSCLE, AUTOSOMAL RECESSIVE; GSD IXb; PHOSPHORYLASE KINASE DEFICIENCY OF LIVER AND MUSCLE, AUTOSOMAL RECESSIVE. Identifiers: Orphanet 79240, MedGen C0543514, MONDO:0009868, OMIM 261750.

Allele frequency attached by ClinVar (database versions not stated): gnomAD 0.00652 and 0.00804; TOPMed 0.00658; 1000 Genomes Project 30x 0.01718; 1000 Genomes Project 0.01897.

Submissions (2):

Illumina Laboratory Services, Illumina
Classification: Benign for Glycogen storage disease IXb. Last evaluated: 2018-01-13. Review status: criteria provided, single submitter. Criteria: ICSL Variant Classification Criteria 13 December 2019. Collection method: clinical testing. Allele origin: germline.
Comment: This variant was observed in the ICSL laboratory as part of a predisposition screen in an ostensibly healthy population. It had not been previously curated by ICSL or reported in the Human Gene Mutation Database (HGMD: prior to June 1st, 2018), and was therefore a candidate for classification through an automated scoring system. Utilizing variant allele frequency, disease prevalence and penetrance estimates, and inheritance mode, an automated score was calculated to assess if this variant is too frequent to cause the disease. Based on the score and internal cut-off values, a variant classified as benign is not then subjected to further curation. The score for this variant resulted in a classification of benign for this disease.

Breakthrough Genomics
Classification: Benign. Review status: criteria provided, single submitter. Criteria: ACMG Guidelines, 2015. Collection method: not provided. Allele origin: germline. Inheritance: Autosomal recessive inheritance. Affected: yes.

NM_000293.3(PHKB):c.*740C>T

Gene: PHKB (phosphorylase kinase regulatory subunit beta; plus strand). Cytogenetic location: 16q12.1.
Variant type: single nucleotide variant.
Coding change: c.*740C>T on transcript NM_000293.3 (MANE Select); 740 bases downstream of the stop codon, C replaced by T.
Molecular consequence: 3 prime UTR variant.
Genome position (GRCh38, 1-based): chr16:47,700,106, C>T. VCF-style: chr16-47700106-C-T. GRCh37 (hg19) VCF-style: chr16-47734017-C-T.
Other names: c.*740C>T (NM_001031835.3, NM_001363837.1).
Identifiers: ClinVar variation 319377 (VCV000319377.6), dbSNP rs184521822, ClinGen allele CA10637828.
Genomic context (GRCh38, chr16:47,700,106, plus strand): 5'-TTCAAAAATATGTTAAATTTAGGCTCAGCACAGTAGCTCACACCTGAAATCTTAGCACTT[C>T]GGGAGGCTGAGGCAGGTGGATCACTTGAGGTTAGGAGTTCAAGACCAGCCCAGCCAACAT-3'